The following is an entry in ClinVar:

NM_001170629.2(CHD8):c.1477C>T (p.Arg493Trp)

Gene: CHD8 (chromodomain helicase DNA binding protein 8; minus strand). Cytogenetic location: 14q11.2.
Variant type: single nucleotide variant.
Coding change: c.1477C>T on transcript NM_001170629.2 (MANE Select); coding-DNA position 1477, C replaced by T.
Protein change: p.Arg493Trp; replaces arginine 493 with tryptophan.
Molecular consequence: missense variant.
Genome position (GRCh38, 1-based): chr14:21,427,993, G>A on the plus strand (C>T on the coding strand, the complement: CHD8 is on the minus strand). VCF-style: chr14-21427993-G-A. GRCh37 (hg19) VCF-style: chr14-21896152-G-A.
Other names: c.640C>T, p.Arg214Trp (NM_020920.4); short protein forms R214W, R493W.
Identifiers: ClinVar variation 521755 (VCV000521755.21), dbSNP rs774630592, ClinGen allele CA7091777.

ClinVar aggregate classification (germline): Conflicting classifications of pathogenicity. Review status: criteria provided, conflicting classifications (1 of 4 stars). 4 submissions from 4 submitters: Uncertain significance (3); Likely benign (1). Last evaluated 2026-01-17.

Conditions:
Inborn genetic diseases. Identifiers: MedGen C0950123, MeSH D030342.

Allele frequency attached by ClinVar (database versions not stated): ExAC 0.00002; gnomAD 0.00002; gnomAD exomes 0.00002 and 0.00005; TOPMed 0.00005.
gnomAD v4.1: 76 of 1,613,890 alleles (0.0047%); highest among the groups gnomAD compares: Non-Finnish European, 0.0058%; no homozygotes.

Submissions (4):

Labcorp Genetics (formerly Invitae), Labcorp
Classification: Likely benign. Last evaluated: 2026-01-17. Review status: criteria provided, single submitter. Criteria: Invitae Variant Classification Sherloc (09022015). Collection method: clinical testing. Allele origin: germline.

CeGaT Center for Human Genetics Tuebingen
Classification: Uncertain significance. Last evaluated: 2025-01-01. Review status: criteria provided, single submitter. Criteria: CeGaT Center For Human Genetics Tuebingen Variant Classification Criteria Version 2. Collection method: clinical testing. Allele origin: germline. Affected: yes. Observed: 1 variant allele.
Comment: CHD8: PP2

GeneDx
Classification: Uncertain significance. Last evaluated: 2019-08-14. Review status: criteria provided, single submitter. Criteria: GeneDx Variant Classification Process June 2021. Collection method: clinical testing. Allele origin: germline. Affected: yes.
Comment: In silico analysis, which includes protein predictors and evolutionary conservation, supports a deleterious effect; Has not been previously published as pathogenic or benign to our knowledge

Ambry Genetics
Classification: Uncertain significance for Hereditary disease. Last evaluated: 2017-05-03. Review status: criteria provided, single submitter. Criteria: ambry_reporting_categories_2017. Collection method: clinical testing. Allele origin: germline. Affected: yes. Observed: 1 heterozygote. Segregation with disease observed.
Comment: Lines of evidence used in support of classification: UNCERTAIN: Alteration(s) of Uncertain Clinical Significance Detected

Literature cited by the submitters: PubMed 24267886 (cited by Ambry Genetics); PubMed 23835524 (cited by Ambry Genetics); PubMed 21447119 (cited by Ambry Genetics); PubMed 22083958 (cited by Ambry Genetics); PubMed 18378692 (cited by Ambry Genetics); PubMed 24998929 (cited by Ambry Genetics); PubMed 22495306 (cited by Ambry Genetics); PubMed 23160955 (cited by Ambry Genetics); PubMed 26789910 (cited by Ambry Genetics); PubMed 28600779 (cited by Ambry Genetics); PubMed 27824329 (cited by Ambry Genetics); PubMed 28475857 (cited by Ambry Genetics).